The following is an entry in ClinVar:

ClinVar aggregate classification (germline): Uncertain significance. Review status: criteria provided, multiple submitters, no conflicts (2 of 4 stars). 7 submissions from 7 submitters: Uncertain significance (7). Last evaluated 2025-11-21.

Conditions:
Cardiovascular phenotype. Identifiers: MedGen CN230736.
Hypertrophic cardiomyopathy 4. Also called: Familial hypertrophic cardiomyopathy 4. Identifiers: MedGen C1861862, MONDO:0007268, OMIM 115197.
Left ventricular noncompaction 10 (LVNC10). Identifiers: Orphanet 154, Orphanet 54260, MedGen C3715165, MONDO:0014163, OMIM 615396.
Hypertrophic cardiomyopathy. Also called: HYPERTROPHIC MYOCARDIOPATHY. Identifiers: Orphanet 217569, MedGen C0007194, MeSH D002312, MONDO:0005045, HP:0001639.

Allele frequency attached by ClinVar (database versions not stated): gnomAD exomes 0.00001 and 0.00002; ExAC 0.00002; TOPMed 0.00002.
gnomAD v4.1: 14 of 1,590,056 alleles (0.00088%); highest among the groups gnomAD compares: Admixed American, 0.0017%; no homozygotes.

Submissions (7):

Labcorp Genetics (formerly Invitae), Labcorp
Classification: Uncertain significance for Hypertrophic cardiomyopathy. Last evaluated: 2025-11-21. Review status: criteria provided, single submitter. Criteria: Invitae Variant Classification Sherloc (09022015). Collection method: clinical testing. Allele origin: germline.
Comment: This sequence change replaces proline, which is neutral and non-polar, with serine, which is neutral and polar, at codon 16 of the MYBPC3 protein (p.Pro16Ser). The frequency data for this variant in the population databases is considered unreliable, as metrics indicate poor data quality at this position in the gnomAD database. This variant has not been reported in the literature in individuals affected with MYBPC3-related conditions. ClinVar contains an entry for this variant (Variation ID: 180979). An algorithm developed to predict the effect of missense changes on protein structure and function (PolyPhen-2) suggests that this variant is likely to be disruptive. In summary, the available evidence is currently insufficient to determine the role of this variant in disease. Therefore, it has been classified as a Variant of Uncertain Significance.

Ambry Genetics
Classification: Uncertain significance for Cardiovascular phenotype. Last evaluated: 2025-06-27. Review status: criteria provided, single submitter. Criteria: Ambry Variant Classification Scheme 2023. Collection method: clinical testing. Allele origin: germline.
Comment: The p.P16S variant (also known as c.46C>T), located in coding exon 2 of the MYBPC3 gene, results from a C to T substitution at nucleotide position 46. The proline at codon 16 is replaced by serine, an amino acid with similar properties. This amino acid position is highly conserved in available vertebrate species. In addition, the in silico prediction for this alteration is inconclusive. Based on the available evidence, the clinical significance of this variant remains unclear.

Molecular Diagnostic Laboratory for Inherited Cardiovascular Disease, Montreal Heart Institute
Classification: Uncertain significance for Cardiovascular phenotype. Last evaluated: 2025-04-08. Review status: criteria provided, single submitter. Criteria: ACMG Guidelines, 2015. Collection method: clinical testing. Allele origin: germline. Affected: yes.
Comment: PM2, PS4_supp

GeneDx
Classification: Uncertain significance. Last evaluated: 2023-04-27. Review status: criteria provided, single submitter. Criteria: GeneDx Variant Classification Process June 2021. Collection method: clinical testing. Allele origin: germline. Affected: yes.
Comment: Has not been previously published as pathogenic or benign to our knowledge; Not observed at significant frequency in large population cohorts (gnomAD); In silico analysis supports that this missense variant has a deleterious effect on protein structure/function

Fulgent Genetics
Classification: Uncertain significance for Hypertrophic cardiomyopathy 4; Left ventricular noncompaction 10. Last evaluated: 2022-04-14. Review status: criteria provided, single submitter. Criteria: ACMG Guidelines, 2015. Collection method: clinical testing. Allele origin: unknown.

Blueprint Genetics
Classification: Uncertain significance. Last evaluated: 2020-09-21. Review status: criteria provided, single submitter. Criteria: ACMG Guidelines, 2015. Collection method: clinical testing. Allele origin: germline.

Laboratory for Molecular Medicine, Mass General Brigham Personalized Medicine
Classification: Uncertain significance. Last evaluated: 2019-04-05. Review status: criteria provided, single submitter. Criteria: ACMG Guidelines, 2015. Collection method: clinical testing. Allele origin: germline.
Comment: The p.Pro16Ser variant in MYBPC3 has not been previously reported in individuals with cardiomyopathy, but has been identified in 1/47636 European chromosomes by the Exome Aggregation Consortium (ExAC; dbSNP rs730880573). Computational prediction tools and conservation analysis suggest that the variant may impact the protein, though this information is not predictive enough to determine pathogenicity. In summary, the clinical significance of the p.Pro16Ser variant is uncertain.

NM_000256.3(MYBPC3):c.46C>T (p.Pro16Ser)

Gene: MYBPC3 (myosin binding protein C3; minus strand). Cytogenetic location: 11p11.2.
Variant type: single nucleotide variant.
Coding change: c.46C>T on transcript NM_000256.3 (MANE Select); coding-DNA position 46, C replaced by T.
Protein change: p.Pro16Ser; replaces proline 16 with serine.
Molecular consequence: missense variant.
Genome position (GRCh38, 1-based): chr11:47,351,485, G>A on the plus strand (C>T on the coding strand, the complement: MYBPC3 is on the minus strand). VCF-style: chr11-47351485-G-A. GRCh37 (hg19) VCF-style: chr11-47373036-G-A.
Other names: p.P16S:CCA>TCA; short protein forms P16S.
Identifiers: ClinVar variation 180979 (VCV000180979.26), dbSNP rs730880573, ClinGen allele CA015183.